The following is an entry in ClinVar:

NM_001540.5(HSPB1):c.574G>T (p.Gly192Trp)

Gene: HSPB1 (heat shock protein family B (small) member 1; plus strand). Cytogenetic location: 7q11.23.
Variant type: single nucleotide variant.
Coding change: c.574G>T on transcript NM_001540.5 (MANE Select); coding-DNA position 574, G replaced by T.
Protein change: p.Gly192Trp; replaces glycine 192 with tryptophan.
Molecular consequence: missense variant.
Genome position (GRCh38, 1-based): chr7:76,304,129, G>T. VCF-style: chr7-76304129-G-T. GRCh37 (hg19) VCF-style: chr7-75933446-G-T.
Other names: c.574G>T (LRG_248t1); short protein forms G192W.
Identifiers: ClinVar variation 246576 (VCV000246576.2), dbSNP rs765430725, ClinGen allele CA10584285.

ClinVar aggregate classification (germline): Uncertain significance (1 of 4 stars; one submission).

Allele frequency attached by ClinVar (database versions not stated): TOPMed 0.00002.

Submission:

GeneDx
Classification: Uncertain significance. Last evaluated: 2016-04-18. Review status: criteria provided, single submitter. Criteria: GeneDx Variant Classification (06012015). Collection method: clinical testing. Allele origin: germline. Affected: yes.
Comment: The G192W variant in the HSPB1 gene has not been reported previously as a pathogenic variant, nor as a benign variant, to our knowledge. The G192W variant was not observed in approximately 6500 individuals of European and African American ancestry in the NHLBI Exome Sequencing Project, indicating it is not a common benign variant in these populations. The G192W variant is a semi-conservative amino acid substitution, which may impact secondary protein structure as these residues differ in some properties. This substitution occurs at a position that is conserved in mammals. In silico analysis is inconsistent in its predictions as to whether or not the variant is damaging to the protein structure/function. We interpret G192W as a variant of uncertain significance.